The following is an entry in ClinVar:

ClinVar aggregate classification (germline): Benign (0 of 4 stars; one submission).

Conditions:
TRAF7-related disorder. Also called: TRAF7-related condition.

Allele frequency attached by ClinVar (database versions not stated): gnomAD exomes 0.00063; ExAC 0.00198; gnomAD 0.00577; 1000 Genomes Project 0.00599; 1000 Genomes Project 30x 0.00671; TOPMed 0.00679; ESP Exome Variant Server 0.00700.
gnomAD v4.1: 1,847 of 1,613,294 alleles (0.11%); highest among the groups gnomAD compares: African/African-American, 2.1%; 23 homozygotes.

Submission:

PreventionGenetics, part of Exact Sciences
Classification: Benign for TRAF7-related condition. Last evaluated: 2019-11-25. Review status: no assertion criteria provided. Collection method: clinical testing. Allele origin: germline.
Comment: This variant is classified as benign based on ACMG/AMP sequence variant interpretation guidelines (Richards et al. 2015 PMID: 25741868, with internal and published modifications).

NM_032271.3(TRAF7):c.462C>T (p.Cys154=)

Gene: TRAF7 (TNF receptor associated factor 7; plus strand). Cytogenetic location: 16p13.3.
Variant type: single nucleotide variant.
Coding change: c.462C>T on transcript NM_032271.3 (MANE Select); coding-DNA position 462, C replaced by T.
Protein change: p.Cys154=; no amino-acid change (cysteine 154 retained).
Molecular consequence: synonymous variant.
Genome position (GRCh38, 1-based): chr16:2,171,592, C>T. VCF-style: chr16-2171592-C-T. GRCh37 (hg19) VCF-style: chr16-2221593-C-T.
Identifiers: ClinVar variation 3048974 (VCV003048974.2), dbSNP rs34752687, ClinGen allele CA7834594.
Genomic context (GRCh38, chr16:2,171,592, plus strand): 5'-GACCCTGCGCCACCCTCAAGCCCGCCCTTTGCCTCCACAGCACACGTTCTGTAGGAGATG[C>T]GCCTTGAAGTCAGGTAGGTTTGTGCCCCGGCCCAGGCCTGACGCCGACCGTGCCCATGGC-3'
Protein context (NP_115647.2, residues 144-164): TTCGHTFCRR[Cys154=]ALKSEKCPVD